The following is an entry in ClinVar:

NM_001330078.2(NRXN1):c.1779G>A (p.Thr593=)

Gene: NRXN1 (neurexin 1; minus strand). Cytogenetic location: 2p16.3.
Variant type: single nucleotide variant.
Coding change: c.1779G>A on transcript NM_001330078.2 (MANE Select); coding-DNA position 1779, G replaced by A.
Protein change: p.Thr593=; no amino-acid change (threonine 593 retained).
Molecular consequence: synonymous variant.
Genome position (GRCh38, 1-based): chr2:50,538,617, C>T on the plus strand (G>A on the coding strand, the complement: NRXN1 is on the minus strand). VCF-style: chr2-50538617-C-T. GRCh37 (hg19) VCF-style: chr2-50765755-C-T.
Other names: c.1899G>A (NM_001135659.2); c.1899G>A, p.Thr633= (NM_001135659.3); c.1755G>A, p.Thr585= (NM_001330077.2, NM_001330082.2, NM_001330095.2); c.1740G>A, p.Thr580= (NM_001330083.2, NM_001330084.2); c.1779G>A, p.Thr593= (NM_001330085.2, NM_001330086.2, NM_004801.6); c.1695G>A, p.Thr565= (NM_001330087.2, NM_001330096.2); c.1725G>A, p.Thr575= (NM_001330088.2); c.1776G>A, p.Thr592= (NM_001330093.2); and 1 more.
Identifiers: ClinVar variation 516410 (VCV000516410.19), dbSNP rs200817371, ClinGen allele CA1654976.

ClinVar aggregate classification (germline): Likely benign. Review status: criteria provided, multiple submitters, no conflicts (2 of 4 stars). 5 submissions from 5 submitters: Likely benign (4). 1 of the submissions does not count toward it. Last evaluated 2025-11-28.

Conditions:
Inborn genetic diseases. Identifiers: MedGen C0950123, MeSH D030342.
Pitt-Hopkins-like syndrome 2 (PTHSL2). Identifiers: Orphanet 221150, Orphanet 600663, MedGen C3280479, MONDO:0013690, OMIM 614325.
NRXN1-related disorder.

Allele frequency attached by ClinVar (database versions not stated): gnomAD 0.00004 and 0.00003; gnomAD exomes 0.00004; TOPMed 0.00005; ExAC 0.00003; ESP Exome Variant Server 0.00024.
gnomAD v4.1: 65 of 1,493,728 alleles (0.0044%); highest among the groups gnomAD compares: Admixed American, 0.0068%; no homozygotes.

Submissions (5):

Labcorp Genetics (formerly Invitae), Labcorp
Classification: Likely benign for Pitt-Hopkins-like syndrome 2. Last evaluated: 2025-11-28. Review status: criteria provided, single submitter. Criteria: Invitae Variant Classification Sherloc (09022015). Collection method: clinical testing. Allele origin: germline.

CeGaT Center for Human Genetics Tuebingen
Classification: Likely benign. Last evaluated: 2025-11-01. Review status: criteria provided, single submitter. Criteria: CeGaT Center For Human Genetics Tuebingen Variant Classification Criteria Version 2. Collection method: clinical testing. Allele origin: germline. Affected: yes. Observed: 1 variant allele.
Comment: NRXN1: BP4, BP7

Ambry Genetics
Classification: Likely benign for Inborn genetic diseases. Last evaluated: 2018-01-22. Review status: criteria provided, single submitter. Criteria: Ambry Variant Classification Scheme 2023. Collection method: clinical testing. Allele origin: germline.

GeneDx
Classification: Likely benign. Last evaluated: 2017-05-18. Review status: criteria provided, single submitter. Criteria: GeneDx Variant Classification (06012015). Collection method: clinical testing. Allele origin: germline. Affected: yes.
Comment: This variant is considered likely benign or benign based on one or more of the following criteria: it is a conservative change, it occurs at a poorly conserved position in the protein, it is predicted to be benign by multiple in silico algorithms, and/or has population frequency not consistent with disease.

PreventionGenetics, part of Exact Sciences
Classification: Likely benign for NRXN1-related condition. Last evaluated: 2019-03-28. Review status: no assertion criteria provided. Collection method: clinical testing. Allele origin: germline. Not counted in ClinVar's aggregate classification.
Comment: This variant is classified as likely benign based on ACMG/AMP sequence variant interpretation guidelines (Richards et al. 2015 PMID: 25741868, with internal and published modifications).